The following is an entry in ClinVar:

NM_033026.6(PCLO):c.14587C>A (p.Pro4863Thr)

Gene: PCLO (piccolo presynaptic cytomatrix protein; minus strand). Cytogenetic location: 7q21.11.
Variant type: single nucleotide variant.
Coding change: c.14587C>A on transcript NM_033026.6 (MANE Select); coding-DNA position 14587, C replaced by A.
Protein change: p.Pro4863Thr; replaces proline 4863 with threonine.
Molecular consequence: missense variant.
Genome position (GRCh38, 1-based): chr7:82,824,245, G>T on the plus strand (C>A on the coding strand, the complement: PCLO is on the minus strand). VCF-style: chr7-82824245-G-T. GRCh37 (hg19) VCF-style: chr7-82453561-G-T.
Other names: c.14587C>A, p.Pro4863Thr (NM_014510.3); short protein forms P4863T.
Identifiers: ClinVar variation 1359139 (VCV001359139.8), dbSNP rs2115659146, ClinGen allele CA368019908.

ClinVar aggregate classification (germline): Uncertain significance (1 of 4 stars; one submission).

Submission:

Labcorp Genetics (formerly Invitae), Labcorp
Classification: Uncertain significance. Last evaluated: 2021-06-05. Review status: criteria provided, single submitter. Criteria: Invitae Variant Classification Sherloc (09022015). Collection method: clinical testing. Allele origin: germline.
Comment: This sequence change replaces proline with threonine at codon 4863 of the PCLO protein (p.Pro4863Thr). The proline residue is moderately conserved and there is a small physicochemical difference between proline and threonine. This variant is not present in population databases (ExAC no frequency). This variant has not been reported in the literature in individuals with PCLO-related conditions. Algorithms developed to predict the effect of missense changes on protein structure and function are either unavailable or do not agree on the potential impact of this missense change (SIFT: "Deleterious"; PolyPhen-2: "Not Available"; Align-GVGD: "Class C0"). In summary, the available evidence is currently insufficient to determine the role of this variant in disease. Therefore, it has been classified as a Variant of Uncertain Significance.